The following is an entry in ClinVar:

ClinVar aggregate classification (germline): Uncertain significance (1 of 4 stars; one submission).

Conditions:
Hereditary cancer-predisposing syndrome. Also called: Tumor predisposition; Hereditary neoplastic syndrome; Neoplastic Syndromes, Hereditary; Hereditary Cancer Syndrome. Identifiers: Orphanet 140162, MedGen C0027672, MeSH D009386, MONDO:0015356.

gnomAD v4.1: 10 of 1,614,062 alleles (0.00062%); highest among the groups gnomAD compares: Non-Finnish European, 0.00076%; no homozygotes.

Submission:

Ambry Genetics
Classification: Uncertain significance for Hereditary cancer-predisposing syndrome. Last evaluated: 2025-03-17. Review status: criteria provided, single submitter. Criteria: Ambry Variant Classification Scheme 2023. Collection method: clinical testing. Allele origin: germline.
Comment: The p.S330G variant (also known as c.988A>G), located in coding exon 9 of the FANCC gene, results from an A to G substitution at nucleotide position 988. The serine at codon 330 is replaced by glycine, an amino acid with similar properties. This amino acid position is conserved. In addition, this alteration is predicted to be tolerated by in silico analysis. Based on the available evidence, the clinical significance of this variant remains unclear.

NM_000136.3(FANCC):c.988A>G (p.Ser330Gly)

Genes: AOPEP (aminopeptidase O (putative); plus strand), FANCC (FA complementation group C; minus strand). Cytogenetic location: 9q22.32.
Variant type: single nucleotide variant.
Coding change: c.988A>G on transcript NM_000136.3 (MANE Select); coding-DNA position 988, A replaced by G.
Protein change: p.Ser330Gly; replaces serine 330 with glycine.
Molecular consequence: missense variant.
Genome position (GRCh38, 1-based): chr9:95,125,094, T>C on the plus strand (A>G on the coding strand, the complement: FANCC is on the minus strand). VCF-style: chr9-95125094-T-C. GRCh37 (hg19) VCF-style: chr9-97887376-T-C.
Other names: c.988A>G, p.Ser330Gly (NM_001243743.2, NM_001243744.2); short protein forms S330G.
Identifiers: ClinVar variation 4022397 (VCV004022397.1).
Genomic context (GRCh38, chr9:95,125,094, plus strand): 5'-AACAGCGTCTTATTCTCTGGGATGAATGAGTAATATATGTGATATAACAAACCTGCTTGC[T>C]TGCTTTCTCCAGAGCTTCTACAAAGCACTGCGTAAACACCTGAATAGTGGCTATGATTTC-3'
Protein context (NP_000127.2, residues 320-340): QCFVEALEKA[Ser330Gly]KQLRFALKTY